The following is an entry in ClinVar:

ClinVar aggregate classification (germline): Likely pathogenic. Review status: criteria provided, multiple submitters, no conflicts (2 of 4 stars). 3 submissions from 3 submitters: Likely pathogenic (3). Last evaluated 2026-01-13.

Conditions:
EYS-related disorder. Also called: EYS-related condition.
Retinitis pigmentosa 25 (RP25). Identifiers: Orphanet 791, MedGen C1864446, MONDO:0011272, OMIM 602772.

Allele frequency attached by ClinVar (database versions not stated): gnomAD exomes 0.00001 and 0.00003; TOPMed 0.00003; ExAC 0.00004.
gnomAD v4.1: 8 of 1,517,188 alleles (0.00053%); highest among the groups gnomAD compares: Admixed American, 0.016%; no homozygotes.

Submissions (3):

Labcorp Genetics (formerly Invitae), Labcorp
Classification: Likely pathogenic. Last evaluated: 2026-01-13. Review status: criteria provided, single submitter. Criteria: Invitae Variant Classification Sherloc (09022015). Collection method: clinical testing. Allele origin: germline.
Comment: This sequence change affects an acceptor splice site in intron 5 of the EYS gene. It is expected to disrupt RNA splicing. Variants that disrupt the donor or acceptor splice site typically lead to a loss of protein function (PMID: 16199547), and loss-of-function variants in EYS are known to be pathogenic (PMID: 18836446, 20333770). The frequency data for this variant in the population databases is considered unreliable, as metrics indicate poor data quality at this position in the gnomAD database. This variant has not been reported in the literature in individuals affected with EYS-related conditions. ClinVar contains an entry for this variant (Variation ID: 1067770). Algorithms developed to predict the effect of sequence changes on RNA splicing suggest that this variant may disrupt the consensus splice site. In summary, the currently available evidence indicates that the variant is pathogenic, but additional data are needed to prove that conclusively. Therefore, this variant has been classified as Likely Pathogenic.

Natera, Inc.
Classification: Likely pathogenic for Retinitis pigmentosa type 25. Last evaluated: 2024-06-17. Review status: criteria provided, single submitter. Criteria: Natera Variant Classification Schema (03/2026). Collection method: clinical testing. Allele origin: germline.
Comment: The c.863-2A>C variant in EYS is a canonical splice acceptor site variant predicted to affect pre-mRNA splicing, which may result in an abnormal transcript and altered protein product. This variant is expected to result in nonsense mediated decay, truncation, or a dysfunctional protein product. This variant is rare in the general population with a frequency below the threshold expected for the associated phenotype(s). Given the available evidence, this variant is classified as Likely Pathogenic.

Blueprint Genetics
Classification: Likely pathogenic for EYS-related disorders. Last evaluated: 2022-03-01. Review status: criteria provided, single submitter. Criteria: ACMG Guidelines, 2015. Collection method: clinical testing. Allele origin: germline. Affected: yes. Observed: 1 variant allele.

Literature cited by the submitters: PubMed 16199547 (cited by Labcorp Genetics (formerly Invitae), Labcorp); PubMed 18836446 (cited by Labcorp Genetics (formerly Invitae), Labcorp); PubMed 20333770 (cited by Labcorp Genetics (formerly Invitae), Labcorp).

NM_001142800.2(EYS):c.863-2A>C

Gene: EYS (EGF-like photoreceptor maintenance factor; minus strand). Cytogenetic location: 6q12.
Variant type: single nucleotide variant.
Coding change: c.863-2A>C on transcript NM_001142800.2 (MANE Select); the canonical splice acceptor site of the intron before coding-DNA position 863, A replaced by C.
Molecular consequence: splice acceptor variant.
Genome position (GRCh38, 1-based): chr6:65,405,369, T>G on the plus strand (A>C on the coding strand, the complement: EYS is on the minus strand). VCF-style: chr6-65405369-T-G. GRCh37 (hg19) VCF-style: chr6-66115262-T-G.
Other names: c.863-2A>C (NM_001142800.1, NM_001292009.2, NM_001142801.2 and 1 more transcripts).
Identifiers: ClinVar variation 1067770 (VCV001067770.10), dbSNP rs761229979, ClinGen allele CA3877940.